The following is an entry in ClinVar:

ClinVar aggregate classification (germline): Pathogenic/Likely pathogenic. Review status: criteria provided, multiple submitters, no conflicts (2 of 4 stars). 2 submissions from 2 submitters: Pathogenic (1); Likely pathogenic (1). Last evaluated 2022-05-05.

Conditions:
Dilated cardiomyopathy 1G (CMD1G). Identifiers: Orphanet 154, MedGen C1858763, MONDO:0011400, OMIM 604145.
Autosomal recessive limb-girdle muscular dystrophy type 2J (LGMDR10). Also called: MUSCULAR DYSTROPHY, LIMB-GIRDLE, AUTOSOMAL RECESSIVE 10; Limb-girdle muscular dystrophy, type 2J. Identifiers: Orphanet 140922, MedGen C1837342, MONDO:0012127, OMIM 608807.

Submissions (2):

Labcorp Genetics (formerly Invitae), Labcorp
Classification: Likely pathogenic for Dilated cardiomyopathy 1G; Autosomal recessive limb-girdle muscular dystrophy type 2J. Last evaluated: 2022-05-05. Review status: criteria provided, single submitter. Criteria: Invitae Variant Classification Sherloc (09022015). Collection method: clinical testing. Allele origin: germline.
Comment: This variant is located in the A band of TTN (PMID: 25589632). Truncating variants in this region are significantly overrepresented in patients affected with dilated cardiomyopathy (PMID: 25589632). Truncating variants in this region have also been reported in individuals affected with autosomal recessive centronuclear myopathy (PMID: 23975875). This sequence change creates a premature translational stop signal (p.Gly23855*) in the TTN gene. While this is not anticipated to result in nonsense mediated decay, it is expected to create a truncated TTN protein. This variant is not present in population databases (gnomAD no frequency). This variant has not been reported in the literature in individuals affected with TTN-related conditions. ClinVar contains an entry for this variant (Variation ID: 202520). In summary, the currently available evidence indicates that the variant is pathogenic, but additional data are needed to prove that conclusively. Therefore, this variant has been classified as Likely Pathogenic.

GeneDx
Classification: Pathogenic. Last evaluated: 2014-10-23. Review status: criteria provided, single submitter. Criteria: GeneDx Variant Classification (06012015). Collection method: clinical testing. Allele origin: germline. Affected: yes.
Comment: p.Gly22214Ter (GGA>TGA): c.66640 G>T in exon 276 of the TTN gene (NM_001256850.1) The G22214X mutation in the TTN gene has not been reported as a disease-causing mutation or as a benign polymorphism to our knowledge. G22214X is predicted to cause loss of normal protein function either by protein truncation or nonsense-mediated mRNA decay. Other truncating TTN variants have been reported in approximately 3% of control alleles (Herman D et al., 2012). However, G22214X is located in the A-band region of titin, where the majority of truncating mutations associated with DCM have been reported (Herman D et al., 2012). Furthermore the G22214X mutation was not observed in approximately 6,200 individuals of European and African American ancestry in the NHLBI Exome Sequencing Project, indicating it is not a common benign variant in these populations. In summary, G22214X in the TTN gene is interpreted as a disease-causing mutation. The variant is found in DCM-CRDM panel(s).

Literature cited by the submitters: PubMed 25589632 (cited by Labcorp Genetics (formerly Invitae), Labcorp); PubMed 23975875 (cited by Labcorp Genetics (formerly Invitae), Labcorp).

NM_001267550.2(TTN):c.71563G>T (p.Gly23855Ter)

Genes: TTN (titin; minus strand), TTN-AS1 (TTN antisense RNA 1; plus strand). Cytogenetic location: 2q31.2.
Variant type: single nucleotide variant.
Coding change: c.71563G>T on transcript NM_001267550.2 (MANE Select); coding-DNA position 71563, G replaced by T.
Protein change: p.Gly23855Ter; replaces glycine 23855 with a stop codon.
Molecular consequence: nonsense.
Genome position (GRCh38, 1-based): chr2:178,574,569, C>A on the plus strand (G>T on the coding strand, the complement: TTN is on the minus strand). VCF-style: chr2-178574569-C-A. GRCh37 (hg19) VCF-style: chr2-179439296-C-A.
Other names: p.G22214*:GGA>TGA; c.71563G>T (LRG_391t1); c.66640G>T, p.Gly22214Ter (NM_001256850.1); c.44368G>T, p.Gly14790Ter (NM_003319.4); c.63859G>T, p.Gly21287Ter (NM_133378.4); c.44743G>T, p.Gly14915Ter (NM_133432.3); c.44944G>T, p.Gly14982Ter (NM_133437.4); short protein forms G22214*, G23855*, G21287*, G14982*, G14790*, G14915*.
Identifiers: ClinVar variation 202520 (VCV000202520.7), dbSNP rs794729381, ClinGen allele CA309495.